The following is an entry in ClinVar:

ClinVar aggregate classification (germline): Likely benign (1 of 4 stars; one submission).

Conditions:
UNC13A-related disorder. Also called: UNC13A-related condition.

gnomAD v4.1: 73 of 1,613,796 alleles (0.0045%); highest among the groups gnomAD compares: African/African-American, 0.0093%; no homozygotes.

Submission:

PreventionGenetics, part of Exact Sciences
Classification: Likely benign for UNC13A-related condition. Last evaluated: 2025-02-07. Review status: criteria provided, single submitter. Criteria: ACMG Guidelines, 2015. Collection method: clinical testing. Allele origin: germline.
Comment: This variant is classified as likely benign based on ACMG/AMP sequence variant interpretation guidelines (Richards et al. 2015 PMID: 25741868, with internal and published modifications).

NM_001080421.3(UNC13A):c.2115C>T (p.Val705=)

Gene: UNC13A (unc-13 homolog A; minus strand). Cytogenetic location: 19p13.11.
Variant type: single nucleotide variant.
Coding change: c.2115C>T on transcript NM_001080421.3 (MANE Select); coding-DNA position 2115, C replaced by T.
Protein change: p.Val705=; no amino-acid change (valine 705 retained).
Molecular consequence: synonymous variant.
Genome position (GRCh38, 1-based): chr19:17,646,041, G>A on the plus strand (C>T on the coding strand, the complement: UNC13A is on the minus strand). VCF-style: chr19-17646041-G-A. GRCh37 (hg19) VCF-style: chr19-17756850-G-A.
Other names: c.2109C>T, p.Val703= (NM_001387021.1, NM_001387022.1, NM_001387023.1).
Identifiers: ClinVar variation 4979246 (VCV004979246.1).
Genomic context (GRCh38, chr19:17,646,041, plus strand): 5'-CTCCTCCCACACCGGGTTGAGGTTCCCATAGATGGTTTTTGTCCGTTTCTTGGTCTTCCC[G>A]ACCTGGACGGTGACATAGGGGTCACTGGATCCTGTCTTGTCCTTTGCCTGCAAGCCCTGG-3'
Protein context (NP_001073890.2, residues 695-715): GSSDPYVTVQ[Val705=]GKTKKRTKTI